The following is an entry in ClinVar:

ClinVar aggregate classification (germline): Pathogenic. Review status: criteria provided, single submitter (1 of 4 stars). 2 submissions from 2 submitters: Pathogenic (1). 1 of the submissions does not count toward it. Last evaluated 2024-05-13.

Conditions:
Alstrom syndrome (ALMS). Identifiers: Orphanet 64, MedGen C0268425, MONDO:0008763, OMIM 203800.

Submissions (2):

Labcorp Genetics (formerly Invitae), Labcorp
Classification: Pathogenic for Alstrom syndrome. Last evaluated: 2024-05-13. Review status: criteria provided, single submitter. Criteria: Invitae Variant Classification Sherloc (09022015). Collection method: clinical testing. Allele origin: germline.
Comment: This sequence change creates a premature translational stop signal (p.Thr2163Lysfs*4) in the ALMS1 gene. It is expected to result in an absent or disrupted protein product. Loss-of-function variants in ALMS1 are known to be pathogenic (PMID: 17594715). This variant is not present in population databases (gnomAD no frequency). This premature translational stop signal has been observed in individual(s) with clinical features of Alstrom Syndrome (PMID: 25846608). ClinVar contains an entry for this variant (Variation ID: 557087). For these reasons, this variant has been classified as Pathogenic.

Counsyl
Classification: Likely pathogenic for Alstrom syndrome. Last evaluated: 2018-03-07. Review status: no assertion criteria provided. Collection method: clinical testing. Allele origin: unknown. Not counted in ClinVar's aggregate classification.

Literature cited by the submitters: PubMed 17594715 (cited by Labcorp Genetics (formerly Invitae), Labcorp); PubMed 25846608 (cited by Labcorp Genetics (formerly Invitae), Labcorp and Counsyl).

NM_001378454.1(ALMS1):c.6483_6486del (p.Thr2162fs)

Gene: ALMS1 (ALMS1 centrosome and basal body associated protein; plus strand). Cytogenetic location: 2p13.1.
Variant type: Deletion.
Coding change: c.6483_6486del on transcript NM_001378454.1 (MANE Select); coding-DNA positions 6483 to 6486, 4 bases deleted (AACT; older notation c.6483_6486delAACT).
Protein change: p.Thr2162fs; shifts the reading frame from threonine 2162.
Molecular consequence: frameshift variant.
Genome position (GRCh38, 1-based): chr2:73,453,010-73,453,013, AACT deleted; deleting any 4 consecutive bases within chr2:73,453,008-73,453,013 gives the same sequence; the c. name uses the placement nearest the transcript's 3' end. VCF-style (leftmost placement, unchanged base first): chr2-73453007-TCTAA-T. GRCh37 (hg19) VCF-style: chr2-73680134-TCTAA-T.
Other names: c.6486_6489del, p.Thr2163fs (NM_015120.4); c.6486_6489delAACT (NM_015120.4); short protein forms T2163fs, T2162fs.
Identifiers: ClinVar variation 557087 (VCV000557087.5), dbSNP rs1553404252, ClinGen allele CA658822890.
Genomic context (GRCh38, chr2:73,453,007, plus strand): 5'-TTCCTTTTCACATCGAGAGAAACCAGATATTTTCTATCAAAAGGATTTGCCAGATAGACA[TCTAA>T]CTGAAGATGCTCTAAAGATCTCAAGTGCTCTTGGGCAAGCTGATCAAATTACCGGATTAC-3'